The following is an entry in ClinVar:

ClinVar aggregate classification (germline): Uncertain significance (1 of 4 stars; one submission).

Submission:

GeneDx
Classification: Uncertain significance. Last evaluated: 2024-09-21. Review status: criteria provided, single submitter. Criteria: GeneDx Variant Classification Process June 2021. Collection method: clinical testing. Allele origin: germline. Affected: yes.
Comment: Not observed at significant frequency in large population cohorts (gnomAD); In silico analysis indicates that this missense variant does not alter protein structure/function; Has not been previously published as pathogenic or benign to our knowledge

NM_001105206.3(LAMA4):c.2932G>A (p.Glu978Lys)

Gene: LAMA4 (laminin subunit alpha 4; minus strand). Cytogenetic location: 6q21.
Variant type: single nucleotide variant.
Coding change: c.2932G>A on transcript NM_001105206.3 (MANE Select); coding-DNA position 2932, G replaced by A.
Protein change: p.Glu978Lys; replaces glutamic acid 978 with lysine.
Molecular consequence: missense variant.
Genome position (GRCh38, 1-based): chr6:112,140,804, C>T on the plus strand (G>A on the coding strand, the complement: LAMA4 is on the minus strand). VCF-style: chr6-112140804-C-T. GRCh37 (hg19) VCF-style: chr6-112462006-C-T.
Other names: c.2911G>A, p.Glu971Lys (NM_001105207.3, NM_002290.5); short protein forms E971K, E978K.
Identifiers: ClinVar variation 1307646 (VCV001307646.3), dbSNP rs2114700242, ClinGen allele CA365379610.